The following is an entry in ClinVar:

NM_001349253.2(SCN11A):c.3571G>A (p.Val1191Ile)

Genes: SCN11A (sodium voltage-gated channel alpha subunit 11; minus strand), LOC126806652 (CDK7 strongly-dependent group 2 enhancer GRCh37_chr3:38912374-38913573; plus strand). Cytogenetic location: 3p22.2.
Variant type: single nucleotide variant.
Coding change: c.3571G>A on transcript NM_001349253.2 (MANE Select); coding-DNA position 3571, G replaced by A.
Protein change: p.Val1191Ile; replaces valine 1191 with isoleucine.
Molecular consequence: missense variant.
Genome position (GRCh38, 1-based): chr3:38,871,633, C>T on the plus strand (G>A on the coding strand, the complement: SCN11A is on the minus strand). VCF-style: chr3-38871633-C-T. GRCh37 (hg19) VCF-style: chr3-38913124-C-T.
Other names: c.3571G>A, p.Val1191Ile (NM_014139.3); short protein forms V1191I.
Identifiers: ClinVar variation 578351 (VCV000578351.7), dbSNP rs199670122, ClinGen allele CA2321750.
Genomic context (GRCh38, chr3:38,871,633, plus strand): 5'-TTCCATTAATGCATTTCCCAAATTTTCCAGAAAAGAAGTATACTCCCAGAATACAAAATA[C>T]GAGCCAGAAAATGAGGCAGACAAGCAAAACATTCAGAATGGCAGGTATGGCACCTATGAG-3'
Protein context (NP_001336182.1, residues 1181-1201): VLLVCLIFWL[Val1191Ile]FCILGVYFFS

ClinVar aggregate classification (germline): Conflicting classifications of pathogenicity. Review status: criteria provided, conflicting classifications (1 of 4 stars). 2 submissions from 2 submitters: Uncertain significance (1); Likely benign (1). Last evaluated 2023-08-25.

Conditions:
Hereditary sensory and autonomic neuropathy type 7. Also called: HSAN VII; Neuropathy, hereditary sensory and autonomic, type VII. Identifiers: Orphanet 391397, MedGen C3809882, MONDO:0014244, OMIM 615548.
Familial episodic pain syndrome with predominantly lower limb involvement. Also called: Episodic pain syndrome, familial, 3. Identifiers: Orphanet 391384, Orphanet 391392, MedGen C3809899, MONDO:0014247, OMIM 615552.

Allele frequency attached by ClinVar (database versions not stated): gnomAD exomes 0.00001 and 0.00002; ExAC 0.00002; TOPMed 0.00002; gnomAD 0.00003; 1000 Genomes Project 30x 0.00016; 1000 Genomes Project 0.00020.
gnomAD v4.1: 24 of 1,612,402 alleles (0.0015%); highest among the groups gnomAD compares: African/African-American, 0.0067%; no homozygotes.

Submissions (2):

Blueprint Genetics
Classification: Likely benign. Last evaluated: 2023-08-25. Review status: criteria provided, single submitter. Criteria: ACMG Guidelines, 2015. Collection method: clinical testing. Allele origin: germline.

Labcorp Genetics (formerly Invitae), Labcorp
Classification: Uncertain significance for Familial episodic pain syndrome with predominantly lower limb involvement; Hereditary sensory and autonomic neuropathy type 7. Last evaluated: 2018-06-25. Review status: criteria provided, single submitter. Criteria: Invitae Variant Classification Sherloc (09022015). Collection method: clinical testing. Allele origin: germline.
Comment: In summary, the available evidence is currently insufficient to determine the role of this variant in disease. Therefore, it has been classified as a Variant of Uncertain Significance. Algorithms developed to predict the effect of missense changes on protein structure and function output the following: SIFT: "Tolerated"; PolyPhen-2: "Benign"; Align-GVGD: "Class C0". The isoleucine amino acid residue is found in multiple mammalian species, suggesting that this missense change does not adversely affect protein function. These predictions have not been confirmed by published functional studies and their clinical significance is uncertain. This variant has not been reported in the literature in individuals with SCN11A-related disease. This variant is present in population databases (rs199670122, ExAC 0.01%). This sequence change replaces valine with isoleucine at codon 1191 of the SCN11A protein (p.Val1191Ile). The valine residue is weakly conserved and there is a small physicochemical difference between valine and isoleucine.